The following is an entry in ClinVar:

NM_000044.6(AR):c.1370GCG[12] (p.Gly469_Gly473del)

Gene: AR (androgen receptor; plus strand). Cytogenetic location: Xq12.
Variant type: Microsatellite.
Coding change: c.1370GCG[12] on transcript NM_000044.6 (MANE Select); 12 copies in a row of the 3-base unit GCG starting at c.1370; the reference has 17 copies in a row; five copies, 15 bases deleted.
Protein change: p.Gly469_Gly473del.
Molecular consequence: inframe deletion. On other transcripts: 5 prime UTR variant (1).
Genome position (GRCh38, 1-based): chrX:67,546,552-67,546,566, GCGGCGGCGGCGGCG deleted; deleting any 15 consecutive bases within chrX:67,546,515-67,546,566 gives the same sequence; the position shown is the placement nearest the transcript's 3' end. VCF-style (leftmost placement, unchanged base first): chrX-67546514-TGGCGGCGGCGGCGGC-T. GRCh37 (hg19) VCF-style: chrX-66766356-TGGCGGCGGCGGCGGC-T.
Other names: c.1406_1420del15 (NM_000044.3); c.-414GCG[12] (NM_001011645.3); c.1370GCG[12], p.Gly469_Gly473del (NM_001348061.1, NM_001348063.1, NM_001348064.1).
Identifiers: ClinVar variation 434259 (VCV000434259.30), dbSNP rs746853821, ClinGen allele CA10436426.

ClinVar aggregate classification (germline): Likely benign. Review status: criteria provided, multiple submitters, no conflicts (2 of 4 stars). 5 submissions from 5 submitters: Likely benign (4). 1 of the submissions does not count toward it. Last evaluated 2026-05-01.

Conditions:
AR-related disorder. Also called: AR-related condition.
Androgen resistance syndrome (AIS). Also called: DHTR DEFICIENCY; Androgen insensitivity; ANDROGEN RECEPTOR DEFICIENCY; Androgen insensitivity syndrome; DIHYDROTESTOSTERONE RECEPTOR DEFICIENCY; Androgen insensitivity, complete. Identifiers: Orphanet 754, Orphanet 99429, MedGen C0039585, MONDO:0019154, OMIM 300068. Disease mechanism: loss of function.
Kennedy disease (SMAX1). Also called: SPINAL AND BULBAR MUSCULAR ATROPHY, X-LINKED 1; Spinal and Bulbar Muscular Atrophy; KENNEDY SPINAL AND BULBAR MUSCULAR ATROPHY. Identifiers: Orphanet 481, MedGen C1839259, MONDO:0010735, OMIM 313200.

Submissions (5):

CeGaT Center for Human Genetics Tuebingen
Classification: Likely benign. Last evaluated: 2026-05-01. Review status: criteria provided, single submitter. Criteria: CeGaT Center For Human Genetics Tuebingen Variant Classification Criteria Version 2. Collection method: clinical testing. Allele origin: germline. Affected: yes. Observed: 4 variant alleles.
Comment: AR: BS1

Labcorp Genetics (formerly Invitae), Labcorp
Classification: Likely benign for Kennedy disease; Androgen resistance syndrome. Last evaluated: 2026-01-12. Review status: criteria provided, single submitter. Criteria: Invitae Variant Classification Sherloc (09022015). Collection method: clinical testing. Allele origin: germline.

GeneDx
Classification: Likely benign. Last evaluated: 2021-04-29. Review status: criteria provided, single submitter. Criteria: GeneDx Variant Classification Process June 2021. Collection method: clinical testing. Allele origin: germline. Affected: yes.

Genetic Services Laboratory, University of Chicago
Classification: Likely benign. Last evaluated: 2016-01-11. Review status: criteria provided, single submitter. Criteria: ACMG Guidelines, 2015. Collection method: clinical testing. Allele origin: germline. Affected: no.

PreventionGenetics, part of Exact Sciences
Classification: Benign for AR-related condition. Last evaluated: 2019-12-15. Review status: no assertion criteria provided. Collection method: clinical testing. Allele origin: germline. Not counted in ClinVar's aggregate classification.
Comment: This variant is classified as benign based on ACMG/AMP sequence variant interpretation guidelines (Richards et al. 2015 PMID: 25741868, with internal and published modifications).